The following is an entry in ClinVar:

NM_017654.4(SAMD9):c.1103C>G (p.Thr368Arg)

Gene: SAMD9 (sterile alpha motif domain containing 9; minus strand). Cytogenetic location: 7q21.2.
Variant type: single nucleotide variant.
Coding change: c.1103C>G on transcript NM_017654.4 (MANE Select); coding-DNA position 1103, C replaced by G.
Protein change: p.Thr368Arg; replaces threonine 368 with arginine.
Molecular consequence: missense variant.
Genome position (GRCh38, 1-based): chr7:93,104,995, G>C on the plus strand (C>G on the coding strand, the complement: SAMD9 is on the minus strand). VCF-style: chr7-93104995-G-C. GRCh37 (hg19) VCF-style: chr7-92734308-G-C.
Other names: c.1103C>G, p.Thr368Arg (NM_001193307.2); short protein forms T368R.
Identifiers: ClinVar variation 4159188 (VCV004159188.1).

ClinVar aggregate classification (germline): Uncertain significance (1 of 4 stars; one submission).

Conditions:
Inborn genetic diseases. Identifiers: MedGen C0950123, MeSH D030342.

Submission:

Ambry Genetics
Classification: Uncertain significance for Inborn genetic diseases. Last evaluated: 2025-08-25. Review status: criteria provided, single submitter. Criteria: Ambry Variant Classification Scheme 2023. Collection method: clinical testing. Allele origin: germline.
Comment: The p.T368R variant (also known as c.1103C>G), located in coding exon 1 of the SAMD9 gene, results from a C to G substitution at nucleotide position 1103. The threonine at codon 368 is replaced by arginine, an amino acid with similar properties. This amino acid position is conserved. In addition, this alteration is predicted to be tolerated by in silico analysis. Based on the available evidence, the clinical significance of this variant remains unclear.